The following is an entry in ClinVar:

ClinVar aggregate classification (germline): Uncertain significance. Review status: criteria provided, multiple submitters, no conflicts (2 of 4 stars). 3 submissions from 3 submitters: Uncertain significance (3). Last evaluated 2025-02-24.

Conditions:
Inborn genetic diseases. Identifiers: MedGen C0950123, MeSH D030342.
ALG1-congenital disorder of glycosylation. Also called: CDG Ik; ALG1-CDG; CONGENITAL DISORDER OF GLYCOSYLATION, TYPE Ik. Identifiers: Orphanet 79327, MedGen C2931005, MONDO:0012052, OMIM 608540.

Allele frequency attached by ClinVar (database versions not stated): gnomAD exomes 0.00001; ExAC 0.00002; gnomAD 0.00002 and 0.00003.
gnomAD v4.1: 13 of 1,614,084 alleles (0.00081%); highest among the groups gnomAD compares: Non-Finnish European, 0.001%; no homozygotes.

Submissions (3):

Ambry Genetics
Classification: Uncertain significance for Inborn genetic diseases. Last evaluated: 2025-02-24. Review status: criteria provided, single submitter. Criteria: Ambry Variant Classification Scheme 2023. Collection method: clinical testing. Allele origin: germline.

Fulgent Genetics
Classification: Uncertain significance for ALG1-congenital disorder of glycosylation. Last evaluated: 2022-05-19. Review status: criteria provided, single submitter. Criteria: ACMG Guidelines, 2015. Collection method: clinical testing. Allele origin: unknown.

Labcorp Genetics (formerly Invitae), Labcorp
Classification: Uncertain significance for ALG1-congenital disorder of glycosylation. Last evaluated: 2022-03-19. Review status: criteria provided, single submitter. Criteria: Invitae Variant Classification Sherloc (09022015). Collection method: clinical testing. Allele origin: germline.
Comment: This sequence change replaces leucine, which is neutral and non-polar, with proline, which is neutral and non-polar, at codon 203 of the ALG1 protein (p.Leu203Pro). This variant is present in population databases (rs777949225, gnomAD 0.003%). This variant has not been reported in the literature in individuals affected with ALG1-related conditions. Advanced modeling of protein sequence and biophysical properties (such as structural, functional, and spatial information, amino acid conservation, physicochemical variation, residue mobility, and thermodynamic stability) performed at Invitae indicates that this missense variant is expected to disrupt ALG1 protein function. In summary, the available evidence is currently insufficient to determine the role of this variant in disease. Therefore, it has been classified as a Variant of Uncertain Significance.

NM_019109.5(ALG1):c.608T>C (p.Leu203Pro)

Gene: ALG1 (ALG1 chitobiosyldiphosphodolichol beta-mannosyltransferase; plus strand). Cytogenetic location: 16p13.3.
Variant type: single nucleotide variant.
Coding change: c.608T>C on transcript NM_019109.5 (MANE Select); coding-DNA position 608, T replaced by C.
Protein change: p.Leu203Pro; replaces leucine 203 with proline.
Molecular consequence: missense variant.
Genome position (GRCh38, 1-based): chr16:5,077,513, T>C. VCF-style: chr16-5077513-T-C. GRCh37 (hg19) VCF-style: chr16-5127514-T-C.
Other names: c.275T>C, p.Leu92Pro (NM_001330504.2); c.608T>C (NM_019109.4); short protein forms L203P, L92P.
Identifiers: ClinVar variation 1510900 (VCV001510900.7), dbSNP rs777949225, ClinGen allele CA7889908.